The following is an entry in ClinVar:

ClinVar aggregate classification (germline): Benign/Likely benign. Review status: criteria provided, multiple submitters, no conflicts (2 of 4 stars). 4 submissions from 4 submitters: Benign (1); Likely benign (2). 1 of the submissions does not count toward it. Last evaluated 2026-02-01.

Conditions:
STX3-related disorder. Also called: STX3-related condition.

Allele frequency attached by ClinVar (database versions not stated): gnomAD 0.00050 and 0.00076; gnomAD exomes 0.00091 and 0.00152; 1000 Genomes Project 30x 0.00094; 1000 Genomes Project 0.00120; ExAC 0.00140; TOPMed 0.00063; ESP Exome Variant Server 0.00069.
gnomAD v4.1: 1,458 of 1,612,696 alleles (0.09%); highest among the groups gnomAD compares: South Asian, 0.67%; 13 homozygotes.

Submissions (9):

Labcorp Genetics (formerly Invitae), Labcorp
Classification: Benign. Last evaluated: 2026-02-01. Review status: criteria provided, single submitter. Criteria: Invitae Variant Classification Sherloc (09022015). Collection method: clinical testing. Allele origin: germline.

CeGaT Center for Human Genetics Tuebingen
Classification: Likely benign. Last evaluated: 2025-11-01. Review status: criteria provided, single submitter. Criteria: CeGaT Center For Human Genetics Tuebingen Variant Classification Criteria Version 2. Collection method: clinical testing. Allele origin: germline. Affected: yes. Observed: 1 variant allele.
Comment: STX3: BP4, BP7, BS2

Blueprint Genetics
Classification: Likely benign. Last evaluated: 2024-11-18. Review status: criteria provided, single submitter. Criteria: ACMG Guidelines, 2015. Collection method: clinical testing. Allele origin: germline.

PreventionGenetics, part of Exact Sciences
Classification: Likely benign for STX3-related condition. Last evaluated: 2019-05-01. Review status: no assertion criteria provided. Collection method: clinical testing. Allele origin: germline. Not counted in ClinVar's aggregate classification.
Comment: This variant is classified as likely benign based on ACMG/AMP sequence variant interpretation guidelines (Richards et al. 2015 PMID: 25741868, with internal and published modifications).

Dr. Peter K. Rogan Lab, Western University
No classification provided (evidence only). Condition: Thyroid cancer, nonmedullary, 1. Review status: no classification provided. Collection method: in vitro. Allele origin: not applicable. Functional consequence: retained intron. Not counted in ClinVar's aggregate classification.

Dr. Peter K. Rogan Lab, Western University
No classification provided (evidence only). Condition: Ovarian serous cystadenocarcinoma. Review status: no classification provided. Collection method: in vitro. Allele origin: not applicable. Functional consequence: retained intron. Not counted in ClinVar's aggregate classification.

Dr. Peter K. Rogan Lab, Western University
No classification provided (evidence only). Condition: Gastric cancer. Review status: no classification provided. Collection method: in vitro. Allele origin: not applicable. Functional consequence: retained intron. Not counted in ClinVar's aggregate classification.

Dr. Peter K. Rogan Lab, Western University
No classification provided (evidence only). Condition: Malignant tumor of esophagus. Review status: no classification provided. Collection method: in vitro. Allele origin: not applicable. Functional consequence: retained intron. Not counted in ClinVar's aggregate classification.

Dr. Peter K. Rogan Lab, Western University
No classification provided (evidence only). Condition: Malignant tumor of esophagus. Review status: no classification provided. Collection method: in vitro. Allele origin: not applicable. Functional consequence: retained intron. Not counted in ClinVar's aggregate classification.

NM_004177.5(STX3):c.291C>T (p.Ser97=)

Gene: STX3 (syntaxin 3; plus strand). Cytogenetic location: 11q12.1.
Variant type: single nucleotide variant.
Coding change: c.291C>T on transcript NM_004177.5 (MANE Select); coding-DNA position 291, C replaced by T.
Protein change: p.Ser97=; no amino-acid change (serine 97 retained).
Molecular consequence: synonymous variant.
Genome position (GRCh38, 1-based): chr11:59,790,520, C>T. VCF-style: chr11-59790520-C-T. GRCh37 (hg19) VCF-style: chr11-59557993-C-T.
Other names: c.291C>T, p.Ser97= (NM_001178040.3).
Identifiers: ClinVar variation 714776 (VCV000714776.21), dbSNP rs148104403, ClinGen allele CA6020825.